The following is an entry in ClinVar:

ClinVar aggregate classification (germline): Uncertain significance (1 of 4 stars; one submission).

Conditions:
Dilated cardiomyopathy 1DD (CMD1DD). Identifiers: Orphanet 154, MedGen C2750995, MONDO:0013168, OMIM 613172.

Submission:

Labcorp Genetics (formerly Invitae), Labcorp
Classification: Uncertain significance for Dilated cardiomyopathy 1DD. Last evaluated: 2018-12-19. Review status: criteria provided, single submitter. Criteria: Invitae Variant Classification Sherloc (09022015). Collection method: clinical testing. Allele origin: germline.
Comment: In summary, the available evidence is currently insufficient to determine the role of this variant in disease. Therefore, it has been classified as a Variant of Uncertain Significance. Algorithms developed to predict the effect of missense changes on protein structure and function are either unavailable or do not agree on the potential impact of this missense change (SIFT: "Deleterious"; PolyPhen-2: "Benign"; Align-GVGD: "Class C0"). This variant is not present in population databases (ExAC no frequency). This sequence change replaces aspartic acid with asparagine at codon 689 of the RBM20 protein (p.Asp689Asn). The aspartic acid residue is moderately conserved and there is a small physicochemical difference between aspartic acid and asparagine.

NM_001134363.3(RBM20):c.2065G>A (p.Asp689Asn)

Gene: RBM20 (RNA binding motif protein 20; plus strand). Cytogenetic location: 10q25.2.
Variant type: single nucleotide variant.
Coding change: c.2065G>A on transcript NM_001134363.3 (MANE Select); coding-DNA position 2065, G replaced by A.
Protein change: p.Asp689Asn; replaces aspartic acid 689 with asparagine.
Molecular consequence: missense variant.
Genome position (GRCh38, 1-based): chr10:110,812,462, G>A. VCF-style: chr10-110812462-G-A. GRCh37 (hg19) VCF-style: chr10-112572220-G-A.
Other names: short protein forms D689N.
Identifiers: ClinVar variation 649167 (VCV000649167.8), dbSNP rs1590695932, ClinGen allele CA378371252.